The following is an entry in ClinVar:

NM_004168.4(SDHA):c.233T>C (p.Phe78Ser)

Gene: SDHA (succinate dehydrogenase complex flavoprotein subunit A; plus strand). Cytogenetic location: 5p15.33.
Variant type: single nucleotide variant.
Coding change: c.233T>C on transcript NM_004168.4 (MANE Select); coding-DNA position 233, T replaced by C.
Protein change: p.Phe78Ser; replaces phenylalanine 78 with serine.
Molecular consequence: missense variant.
Genome position (GRCh38, 1-based): chr5:224,442, T>C. VCF-style: chr5-224442-T-C. GRCh37 (hg19) VCF-style: chr5-224557-T-C.
Other names: c.233T>C, p.Phe78Ser (NM_001294332.2, NM_001330758.2); short protein forms F78S.
Identifiers: ClinVar variation 2050825 (VCV002050825.4), dbSNP rs2477286329, ClinGen allele CA359008536.

ClinVar aggregate classification (germline): Uncertain significance (1 of 4 stars; one submission).

Conditions:
Pheochromocytoma/paraganglioma syndrome 5. Also called: Paragangliomas 5; SDHA-Related Hereditary Paraganglioma-Pheochromocytoma Syndrome. Identifiers: Orphanet 29072, MedGen C3279992, MONDO:0013602, OMIM 614165.
Mitochondrial complex II deficiency, nuclear type 1. Also called: SUCCINATE CoQ REDUCTASE DEFICIENCY. Identifiers: Orphanet 3208, MedGen C5700310, MONDO:0100294, OMIM 252011.

Submission:

Labcorp Genetics (formerly Invitae), Labcorp
Classification: Uncertain significance for Pheochromocytoma/paraganglioma syndrome 5; Mitochondrial complex II deficiency, nuclear type 1. Last evaluated: 2021-12-20. Review status: criteria provided, single submitter. Criteria: Invitae Variant Classification Sherloc (09022015). Collection method: clinical testing. Allele origin: germline.
Comment: In summary, the available evidence is currently insufficient to determine the role of this variant in disease. Therefore, it has been classified as a Variant of Uncertain Significance. Advanced modeling of protein sequence and biophysical properties (such as structural, functional, and spatial information, amino acid conservation, physicochemical variation, residue mobility, and thermodynamic stability) performed at Invitae indicates that this missense variant is not expected to disrupt SDHA protein function. This variant has not been reported in the literature in individuals affected with SDHA-related conditions. This variant is not present in population databases (gnomAD no frequency). This sequence change replaces phenylalanine, which is neutral and non-polar, with serine, which is neutral and polar, at codon 78 of the SDHA protein (p.Phe78Ser).